The following is an entry in ClinVar:

ClinVar aggregate classification (germline): Uncertain significance (1 of 4 stars; one submission).

Allele frequency attached by ClinVar (database versions not stated): gnomAD exomes below 0.00001; TOPMed below 0.00001; ExAC 0.00001.
gnomAD v4.1: 2 of 1,614,110 alleles (0.00012%); highest among the groups gnomAD compares: Admixed American, 0.0033%; no homozygotes.

Submission:

Labcorp Genetics (formerly Invitae), Labcorp
Classification: Uncertain significance. Last evaluated: 2022-09-30. Review status: criteria provided, single submitter. Criteria: Invitae Variant Classification Sherloc (09022015). Collection method: clinical testing. Allele origin: germline.
Comment: In summary, the available evidence is currently insufficient to determine the role of this variant in disease. Therefore, it has been classified as a Variant of Uncertain Significance. Algorithms developed to predict the effect of missense changes on protein structure and function (SIFT, PolyPhen-2, Align-GVGD) all suggest that this variant is likely to be tolerated. This variant has not been reported in the literature in individuals affected with RHOBTB2-related conditions. This variant is present in population databases (rs747877641, gnomAD 0.006%). This sequence change replaces threonine, which is neutral and polar, with isoleucine, which is neutral and non-polar, at codon 612 of the RHOBTB2 protein (p.Thr612Ile).

NM_015178.3(RHOBTB2):c.1769C>T (p.Thr590Ile)

Gene: RHOBTB2 (Rho related BTB domain containing 2; plus strand). Cytogenetic location: 8p21.3.
Variant type: single nucleotide variant.
Coding change: c.1769C>T on transcript NM_015178.3 (MANE Select); coding-DNA position 1769, C replaced by T.
Protein change: p.Thr590Ile; replaces threonine 590 with isoleucine.
Molecular consequence: missense variant.
Genome position (GRCh38, 1-based): chr8:23,010,686, C>T. VCF-style: chr8-23010686-C-T. GRCh37 (hg19) VCF-style: chr8-22868199-C-T.
Other names: c.1835C>T, p.Thr612Ile (NM_001160036.2); c.1790C>T, p.Thr597Ile (NM_001160037.2); c.1769C>T, p.Thr590Ile (NM_001374791.1); short protein forms T590I, T612I, T597I.
Identifiers: ClinVar variation 1962841 (VCV001962841.5), dbSNP rs747877641, ClinGen allele CA4672751.